The following is an entry in ClinVar:

NM_003280.3(TNNC1):c.322_338del (p.Ala108fs)

Gene: TNNC1 (troponin C1, slow skeletal and cardiac type; minus strand). Cytogenetic location: 3p21.1.
Variant type: Deletion.
Coding change: c.322_338del on transcript NM_003280.3 (MANE Select); coding-DNA positions 322 to 338, 17 bases deleted (GCTGATGGCTACATCGA).
Protein change: p.Ala108fs; shifts the reading frame from alanine 108.
Molecular consequence: frameshift variant.
Genome position (GRCh38, 1-based): chr3:52,451,507-52,451,523, TCGATGTAGCCATCAGC deleted on the plus strand (GCTGATGGCTACATCGA on the coding strand, the reverse complement: TNNC1 is on the minus strand). VCF-style (leftmost placement, unchanged base first): chr3-52451506-GTCGATGTAGCCATCAGC-G. GRCh37 (hg19) VCF-style: chr3-52485522-GTCGATGTAGCCATCAGC-G.
Other names: short protein forms A108fs.
Identifiers: ClinVar variation 2005768 (VCV002005768.4), dbSNP rs2471443724, ClinGen allele CA2580070194.
Genomic context (GRCh38, chr3:52,451,506, plus strand): 5'-GATGTCGTCCTCCGTGATGGTCTCGCCTGTAGCCTGCAGCATTATCTTCAGCTCATCCAG[GTCGATGTAGCCATCAGC>G]ATTTCTGTGGGGAGGGGGCTCAGGGTAGGGCTGTGGGGAGGGCATGAGGCAGCCCCACCC-3'

ClinVar aggregate classification (germline): Uncertain significance (1 of 4 stars; one submission).

Conditions:
Dilated cardiomyopathy 1Z (CMD1Z). Identifiers: Orphanet 154, MedGen C2678475, MONDO:0012745, OMIM 611879.
Hypertrophic cardiomyopathy 13. Also called: TNNC1-Related Familial Hypertrophic Cardiomyopathy. Identifiers: MedGen C2750472, MONDO:0013195, OMIM 613243.

Submission:

Labcorp Genetics (formerly Invitae), Labcorp
Classification: Uncertain significance for Hypertrophic cardiomyopathy 13; Dilated cardiomyopathy 1Z. Last evaluated: 2022-06-19. Review status: criteria provided, single submitter. Criteria: Invitae Variant Classification Sherloc (09022015). Collection method: clinical testing. Allele origin: germline.
Comment: In summary, the available evidence is currently insufficient to determine the role of this variant in disease. Therefore, it has been classified as a Variant of Uncertain Significance. This variant has not been reported in the literature in individuals affected with TNNC1-related conditions. This variant is not present in population databases (gnomAD no frequency). This sequence change creates a premature translational stop signal (p.Ala108Profs*3) in the TNNC1 gene. It is expected to result in an absent or disrupted protein product. However, the current clinical and genetic evidence is not sufficient to establish whether loss-of-function variants in TNNC1 cause disease.